The following is an entry in ClinVar:

ClinVar aggregate classification (germline): Benign/Likely benign. Review status: criteria provided, multiple submitters, no conflicts (2 of 4 stars). 9 submissions from 9 submitters: Benign (2); Likely benign (3). 4 of the submissions do not count toward it. Last evaluated 2026-01-27.

Conditions:
Long QT syndrome (LQTS). Identifiers: MedGen C0023976, MeSH D008133, MONDO:0002442. Disease mechanism: loss of function. Inheritance: Various modes of inheritance.
Cardiovascular phenotype. Identifiers: MedGen CN230736.
CACNA1C-related disorder. Also called: CACNA1C-related disorders; CACNA1C-related condition. Identifiers: MONDO:0700321, MedGen CN381092.

Allele frequency attached by ClinVar (database versions not stated): gnomAD exomes 0.00024 and 0.00011; gnomAD 0.00090 and 0.00096; ExAC 0.00030; 1000 Genomes Project 30x 0.00094; ESP Exome Variant Server 0.00047; 1000 Genomes Project 0.00100; TOPMed 0.00113.
gnomAD v4.1: 303 of 1,613,346 alleles (0.019%); highest among the groups gnomAD compares: African/African-American, 0.3%; no homozygotes.

Submissions (9):

Labcorp Genetics (formerly Invitae), Labcorp
Classification: Benign for Long QT syndrome. Last evaluated: 2026-01-27. Review status: criteria provided, single submitter. Criteria: Invitae Variant Classification Sherloc (09022015). Collection method: clinical testing. Allele origin: germline.

Blueprint Genetics
Classification: Likely benign. Last evaluated: 2024-09-18. Review status: criteria provided, single submitter. Criteria: ACMG Guidelines, 2015. Collection method: clinical testing. Allele origin: germline.

Women's Health and Genetics/Laboratory Corporation of America, LabCorp
Classification: Benign. Last evaluated: 2021-01-07. Review status: criteria provided, single submitter. Criteria: LabCorp Variant Classification Summary - May 2015. Collection method: clinical testing. Allele origin: germline.

GeneDx
Classification: Likely benign. Last evaluated: 2019-12-24. Review status: criteria provided, single submitter. Criteria: GeneDx Variant Classification Process June 2021. Collection method: clinical testing. Allele origin: germline. Affected: yes.

Ambry Genetics
Classification: Likely benign for Cardiovascular phenotype. Last evaluated: 2016-10-23. Review status: criteria provided, single submitter. Criteria: Ambry Variant Classification Scheme 2023. Collection method: clinical testing. Allele origin: germline.

PreventionGenetics, part of Exact Sciences
Classification: Likely benign for CACNA1C-related condition. Last evaluated: 2019-06-11. Review status: no assertion criteria provided. Collection method: clinical testing. Allele origin: germline. Not counted in ClinVar's aggregate classification.
Comment: This variant is classified as likely benign based on ACMG/AMP sequence variant interpretation guidelines (Richards et al. 2015 PMID: 25741868, with internal and published modifications).

Clinical Genetics DNA and cytogenetics Diagnostics Lab, Erasmus MC, Erasmus Medical Center
Classification: Likely benign. Review status: no assertion criteria provided. Collection method: clinical testing. Allele origin: germline. Affected: yes. Study: VKGL Data-share Consensus. Not counted in ClinVar's aggregate classification.

Clinical Genetics, Academic Medical Center
Classification: Benign. Review status: no assertion criteria provided. Collection method: clinical testing. Allele origin: germline. Affected: yes. Study: VKGL Data-share Consensus. Not counted in ClinVar's aggregate classification.

Joint Genome Diagnostic Labs from Nijmegen and Maastricht, Radboudumc and MUMC+
Classification: Likely benign. Review status: no assertion criteria provided. Collection method: clinical testing. Allele origin: germline. Affected: yes. Study: VKGL Data-share Consensus. Not counted in ClinVar's aggregate classification.

NM_000719.7(CACNA1C):c.5199G>A (p.Ala1733=)

Genes: CACNA1C (calcium voltage-gated channel subunit alpha1 C; plus strand), CACNA1C-AS1 (CACNA1C antisense RNA 1; minus strand). Cytogenetic location: 12p13.33.
Variant type: single nucleotide variant.
Coding change: c.5199G>A on transcript NM_000719.7 (MANE Select); coding-DNA position 5199, G replaced by A.
Protein change: p.Ala1733=; no amino-acid change (alanine 1733 retained).
Molecular consequence: synonymous variant.
Genome position (GRCh38, 1-based): chr12:2,679,551, G>A. VCF-style: chr12-2679551-G-A. GRCh37 (hg19) VCF-style: chr12-2788717-G-A.
Other names: c.5343G>A, p.Ala1781= (NM_001129827.2, NM_199460.4); c.5322G>A, p.Ala1774= (NM_001129829.2); c.5199G>A, p.Ala1733= (NM_001129830.3, NM_001129840.2, NM_001129841.2 and 4 more transcripts); c.5283G>A, p.Ala1761= (NM_001129831.2); c.5259G>A, p.Ala1753= (NM_001129832.2); c.5256G>A, p.Ala1752= (NM_001129833.2, NM_001129834.2, NM_001129835.2); c.5250G>A, p.Ala1750= (NM_001129836.2); c.5223G>A, p.Ala1741= (NM_001129837.2, NM_001129838.2); and 3 more.
Identifiers: ClinVar variation 377613 (VCV000377613.25), dbSNP rs200638007, ClinGen allele CA6389731.